The following is an entry in ClinVar:

ClinVar aggregate classification (germline): Uncertain significance (1 of 4 stars; one submission).

Submission:

GeneDx
Classification: Uncertain significance. Last evaluated: 2026-10-01. Review status: criteria provided, single submitter. Criteria: GeneDx Variant Classification Process June 2021. Collection method: clinical testing. Allele origin: germline.
Comment: Not observed at significant frequency in large population cohorts (gnomAD); In silico analysis supports a deleterious effect on protein structure/function; In silico analysis is inconclusive as to whether the variant alters gene splicing. In the absence of RNA/functional studies, the actual effect of this sequence change is unknown; Has not been previously published as pathogenic or benign to our knowledge

NM_001382241.1(TNPO2):c.83_84inv (p.Gln28Pro)

Gene: TNPO2 (transportin 2; minus strand). Cytogenetic location: 19p13.13.
Variant type: Inversion.
Coding change: c.83_84inv on transcript NM_001382241.1 (MANE Select).
Protein change: p.Gln28Pro; replaces glutamine 28 with proline.
Molecular consequence: missense variant. On other transcripts: non-coding transcript variant (6).
Genome position: GRCh38 VCF-style: chr19-12720894-CT-AG. GRCh37 (hg19) VCF-style: chr19-12831708-CT-AG.
Other names: c.83_84inv, p.Gln28Pro (NM_001136195.2, NM_001136196.2, NM_001382236.1 and 7 more transcripts); short protein forms Q28P.
Identifiers: ClinVar variation 3367490 (VCV003367490.2).